The following is an entry in ClinVar:

ClinVar aggregate classification (germline): Pathogenic (1 of 4 stars; one submission).

Conditions:
Spondylocostal dysostosis 5 (SCDO5). Also called: SCOLIOSIS, CONGENITAL, WITH OR WITHOUT RIB ANOMALIES. Identifiers: MedGen C4083048, MONDO:0007389, OMIM 122600.

Submission:

Lupski Lab, Baylor-Hopkins CMG, Baylor College of Medicine
Classification: Pathogenic for Spondylocostal dysostosis 5. Last evaluated: 2015-11-15. Review status: criteria provided, single submitter. Criteria: Wu et al. (N Engl J Med. 2015). Collection method: research. Allele origin: germline. Inheritance: Other. Affected: yes. Observed: 1 variant allele, 1 compound heterozygote.
Comment: The variant was found to be in trans with a high-risk TBX6 haplotype, T-C-A (rs2289292, rs3809624, rs3809627).

Literature cited by the submitters: PubMed 23335591.

NM_004608.4(TBX6):c.1169dup (p.His391fs)

Gene: TBX6 (T-box transcription factor 6; minus strand). Cytogenetic location: 16p11.2.
Variant type: Duplication.
Coding change: c.1169dup on transcript NM_004608.4 (MANE Select); coding-DNA position 1169, one base duplicated (C; older notation c.1169dupC).
Protein change: p.His391fs; shifts the reading frame from histidine 391.
Molecular consequence: frameshift variant.
Genome position (GRCh38, 1-based): chr16:30,086,367, G duplicated on the plus strand (C on the coding strand, the reverse complement: TBX6 is on the minus strand); the first of 2 consecutive G bases (chr16:30,086,367-30,086,368); duplicating either gives the same sequence. VCF-style (leftmost placement, unchanged base first): chr16-30086366-C-CG. GRCh37 (hg19) VCF-style: chr16-30097687-C-CG.
Other names: c.1169dupC (NM_004608.3); short protein forms H391fs.
Identifiers: ClinVar variation 243054 (VCV000243054.1), dbSNP rs879253776, ClinGen allele CA10584069.